The following is an entry in ClinVar:

ClinVar aggregate classification (germline): Uncertain significance. Review status: criteria provided, multiple submitters, no conflicts (2 of 4 stars). 2 submissions from 2 submitters: Uncertain significance (2). Last evaluated 2025-12-15.

Conditions:
Acute myeloid leukemia (AML). Also called: Leukemia, acute myeloid, somatic; Leukemia, acute myelogenous, somatic; Acute myeloid leukemia, adult; AML adult; Acute non-lymphocytic leukemia; Acute granulocytic leukemia. Identifiers: Orphanet 519, MedGen C0023467, MeSH D015470, MONDO:0018874, OMIM 601626, HP:0004808. Disease mechanism: Constitutively activated FLT3.
Inborn genetic diseases. Identifiers: MedGen C0950123, MeSH D030342.

gnomAD v4.1: 2 of 1,341,012 alleles (0.00015%); highest among the groups gnomAD compares: Non-Finnish European, 0.00019%; no homozygotes.

Submissions (2):

Ambry Genetics
Classification: Uncertain significance for Inborn genetic diseases. Last evaluated: 2025-12-15. Review status: criteria provided, single submitter. Criteria: Ambry Variant Classification Scheme 2023. Collection method: clinical testing. Allele origin: germline.
Comment: The p.P22T variant (also known as c.64C>A), located in coding exon 1 of the CEBPA gene, results from a C to A substitution at nucleotide position 64. The proline at codon 22 is replaced by threonine, an amino acid with highly similar properties. This amino acid position is conserved. In addition, this alteration is predicted to be tolerated by in silico analysis. Based on the available evidence, the clinical significance of this variant remains unclear.

Labcorp Genetics (formerly Invitae), Labcorp
Classification: Uncertain significance for Acute myeloid leukemia. Last evaluated: 2021-11-19. Review status: criteria provided, single submitter. Criteria: Invitae Variant Classification Sherloc (09022015). Collection method: clinical testing. Allele origin: germline.
Comment: This variant has not been reported in the literature in individuals affected with CEBPA-related conditions. In summary, the available evidence is currently insufficient to determine the role of this variant in disease. Therefore, it has been classified as a Variant of Uncertain Significance. Algorithms developed to predict the effect of missense changes on protein structure and function are either unavailable or do not agree on the potential impact of this missense change (SIFT: "Deleterious"; PolyPhen-2: "Benign"; Align-GVGD: "Class C0"). This variant is not present in population databases (gnomAD no frequency). This sequence change replaces proline, which is neutral and non-polar, with threonine, which is neutral and polar, at codon 22 of the CEBPA protein (p.Pro22Thr).

NM_004364.5(CEBPA):c.64C>A (p.Pro22Thr)

Gene: CEBPA (CCAAT enhancer binding protein alpha; minus strand). Cytogenetic location: 19q13.11.
Variant type: single nucleotide variant.
Coding change: c.64C>A on transcript NM_004364.5 (MANE Select); coding-DNA position 64, C replaced by A.
Protein change: p.Pro22Thr; replaces proline 22 with threonine.
Molecular consequence: missense variant. On other transcripts: 5 prime UTR variant (1).
Genome position (GRCh38, 1-based): chr19:33,302,351, G>T on the plus strand (C>A on the coding strand, the complement: CEBPA is on the minus strand). VCF-style: chr19-33302351-G-T. GRCh37 (hg19) VCF-style: chr19-33793257-G-T.
Other names: c.-294C>A (NM_001285829.2); c.169C>A, p.Pro57Thr (NM_001287424.2); c.22C>A, p.Pro8Thr (NM_001287435.2); c.64C>A (NM_004364.3); short protein forms P22T, P57T, P8T.
Identifiers: ClinVar variation 1494941 (VCV001494941.7), dbSNP rs770636941, ClinGen allele CA405275752.